The following is an entry in ClinVar:

NM_198578.4(LRRK2):c.4486G>T (p.Ala1496Ser)

Gene: LRRK2 (leucine rich repeat kinase 2; plus strand). Cytogenetic location: 12q12.
Variant type: single nucleotide variant.
Coding change: c.4486G>T on transcript NM_198578.4 (MANE Select); coding-DNA position 4486, G replaced by T.
Protein change: p.Ala1496Ser; replaces alanine 1496 with serine.
Molecular consequence: missense variant.
Genome position (GRCh38, 1-based): chr12:40,310,599, G>T. VCF-style: chr12-40310599-G-T. GRCh37 (hg19) VCF-style: chr12-40704401-G-T.
Other names: short protein forms A1496S.
Identifiers: ClinVar variation 3229655 (VCV003229655.1), dbSNP rs1308540320, ClinGen allele CA384418610.
Genomic context (GRCh38, chr12:40,310,599, plus strand): 5'-AAGCGAGGGTTCCCTGCCATACGAGATTACCACTTTGTGAATGCCACCGAGGAATCTGAT[G>T]CTTTGGCAAAACTTCGGAAAACCATCATAAACGAGAGCCTTAATTTCAAGGTAACATGGT-3'
Protein context (NP_940980.4, residues 1486-1506): HFVNATEESD[Ala1496Ser]LAKLRKTIIN

ClinVar aggregate classification (germline): Uncertain significance (1 of 4 stars; one submission).

Conditions:
Inborn genetic diseases. Identifiers: MedGen C0950123, MeSH D030342.

Submission:

Ambry Genetics
Classification: Uncertain significance for Inborn genetic diseases. Last evaluated: 2023-11-12. Review status: criteria provided, single submitter. Criteria: Ambry Variant Classification Scheme 2023. Collection method: clinical testing. Allele origin: germline.
Comment: The p.A1496S variant (also known as c.4486G>T), located in coding exon 31 of the LRRK2 gene, results from a G to T substitution at nucleotide position 4486. The alanine at codon 1496 is replaced by serine, an amino acid with similar properties. This amino acid position is conserved. In addition, this alteration is predicted to be tolerated by in silico analysis. Since supporting evidence is limited at this time, the clinical significance of this alteration remains unclear.